The following is an entry in ClinVar:

NM_000340.2(SLC2A2):c.1069-9T>C

Gene: SLC2A2 (solute carrier family 2 member 2; minus strand). Cytogenetic location: 3q26.2.
Variant type: single nucleotide variant.
Coding change: c.1069-9T>C on transcript NM_000340.2 (MANE Select); 9 bases into the intron before coding-DNA position 1069, T replaced by C.
Molecular consequence: intron variant.
Genome position (GRCh38, 1-based): chr3:170,999,175, A>G on the plus strand (T>C on the coding strand, the complement: SLC2A2 is on the minus strand). VCF-style: chr3-170999175-A-G. GRCh37 (hg19) VCF-style: chr3-170716964-A-G.
Other names: p.?; c.712-9T>C (NM_001278658.2); c.550-9T>C (NM_001278659.2).
Identifiers: ClinVar variation 255895 (VCV000255895.17), dbSNP rs5407, ClinGen allele CA2702493.

ClinVar aggregate classification (germline): Benign. Review status: criteria provided, multiple submitters, no conflicts (2 of 4 stars). 7 submissions from 7 submitters: Benign (7). Last evaluated 2026-02-01.

Conditions:
Fanconi-Bickel syndrome (FBS). Also called: FANCONI SYNDROME WITH INTESTINAL MALABSORPTION AND GALACTOSE INTOLERANCE; PSEUDO-PHLORIZIN DIABETES; Glycogen storage disease due to GLUT2 deficiency; HEPATIC GLYCOGENOSIS WITH AMINO ACIDURIA AND GLUCOSURIA; HEPATIC GLYCOGENOSIS WITH FANCONI NEPHROPATHY; HEPATORENAL GLYCOGENOSIS WITH RENAL FANCONI SYNDROME. Identifiers: Orphanet 2088, MedGen C3495427, MONDO:0009216, OMIM 227810.

Allele frequency attached by ClinVar (database versions not stated): gnomAD exomes 0.00118 and 0.00332; ExAC 0.00396; gnomAD 0.01276 and 0.01360; TOPMed 0.01423; ESP Exome Variant Server 0.01469; 1000 Genomes Project 0.01498; 1000 Genomes Project 30x 0.01624.
gnomAD v4.1: 3,716 of 1,555,948 alleles (0.24%); highest among the groups gnomAD compares: African/African-American, 4.3%; 77 homozygotes.

Submissions (7):

Labcorp Genetics (formerly Invitae), Labcorp
Classification: Benign for Fanconi-Bickel syndrome. Last evaluated: 2026-02-01. Review status: criteria provided, single submitter. Criteria: Invitae Variant Classification Sherloc (09022015). Collection method: clinical testing. Allele origin: germline.

Mayo Clinic Laboratories, Mayo Clinic
Classification: Benign. Last evaluated: 2024-09-23. Review status: criteria provided, single submitter. Criteria: ACMG Guidelines, 2015. Collection method: clinical testing. Allele origin: germline. Observed: 5 variant alleles.

ARUP Laboratories, Molecular Genetics and Genomics, ARUP Laboratories
Classification: Benign. Last evaluated: 2023-10-16. Review status: criteria provided, single submitter. Criteria: ARUP Molecular Germline Variant Investigation Process 2024. Collection method: clinical testing. Allele origin: germline.

Illumina Laboratory Services, Illumina
Classification: Benign for Fanconi-Bickel syndrome. Last evaluated: 2018-01-12. Review status: criteria provided, single submitter. Criteria: ICSL Variant Classification Criteria 13 December 2019. Collection method: clinical testing. Allele origin: germline.
Comment: This variant was observed in the ICSL laboratory as part of a predisposition screen in an ostensibly healthy population. It had not been previously curated by ICSL or reported in the Human Gene Mutation Database (HGMD: prior to June 1st, 2018), and was therefore a candidate for classification through an automated scoring system. Utilizing variant allele frequency, disease prevalence and penetrance estimates, and inheritance mode, an automated score was calculated to assess if this variant is too frequent to cause the disease. Based on the score and internal cut-off values, a variant classified as benign is not then subjected to further curation. The score for this variant resulted in a classification of benign for this disease.

GeneDx
Classification: Benign. Last evaluated: 2016-02-15. Review status: criteria provided, single submitter. Criteria: GeneDx Variant Classification (06012015). Collection method: clinical testing. Allele origin: germline. Affected: yes.
Comment: This variant is considered likely benign or benign based on one or more of the following criteria: it is a conservative change, it occurs at a poorly conserved position in the protein, it is predicted to be benign by multiple in silico algorithms, and/or has population frequency not consistent with disease.

Breakthrough Genomics
Classification: Benign. Review status: criteria provided, single submitter. Criteria: ACMG Guidelines, 2015. Collection method: not provided. Allele origin: germline. Inheritance: Autosomal recessive inheritance. Affected: yes.

PreventionGenetics, part of Exact Sciences
Classification: Benign. Review status: criteria provided, single submitter. Criteria: ACMG Guidelines, 2015. Collection method: clinical testing. Allele origin: germline.